The following is an entry in ClinVar:

ClinVar aggregate classification (germline): Uncertain significance (1 of 4 stars; one submission).

Conditions:
Thrombomodulin-related bleeding disorder (THPH12). Also called: Thrombophilia due to thrombomodulin defect. Identifiers: Orphanet 436169, MedGen C3280976, MONDO:0013775, OMIM 614486.

gnomAD v4.1: 1 of 1,593,330 alleles (0.000063%); no homozygotes.

Submission:

Genomenon, Inc
Classification: Uncertain significance for Thrombomodulin-related bleeding disorder. Last evaluated: 2025-09-22. Review status: criteria provided, single submitter. Criteria: Genomenon Sequence Variant Interpretation Standards - Updated. Collection method: curation. Allele origin: germline. Affected: no.
Comment: THBD p.Asp34Glu (c.102C>A) is a missense variant that changes the amino acid at residue 34 from Aspartic acid to Glutamic acid. This variant has been reported in the published literature (PMID:20513133;24799305). It is absent or not present at a significant frequency in gnomAD. In silico models agree that this variant is not damaging. In conclusion, we classify THBD p.Asp34Glu (c.102C>A) as a variant of unknown significance.

Literature cited by the submitters: PubMed 20513133; PubMed 24799305.

NM_000361.3(THBD):c.102C>A (p.Asp34Glu)

Gene: THBD (thrombomodulin; minus strand). Cytogenetic location: 20p11.21.
Variant type: single nucleotide variant.
Coding change: c.102C>A on transcript NM_000361.3 (MANE Select); coding-DNA position 102, C replaced by A.
Protein change: p.Asp34Glu; replaces aspartic acid 34 with glutamic acid.
Molecular consequence: missense variant.
Genome position (GRCh38, 1-based): chr20:23,049,403, G>T on the plus strand (C>A on the coding strand, the complement: THBD is on the minus strand). VCF-style: chr20-23049403-G-T. GRCh37 (hg19) VCF-style: chr20-23030040-G-T.
Other names: short protein forms D34E.
Identifiers: ClinVar variation 4280419 (VCV004280419.1).